The following is an entry in ClinVar:

NM_001363711.2(DUOX2):c.3415+9C>A

Gene: DUOX2 (dual oxidase 2; minus strand). Cytogenetic location: 15q21.1.
Variant type: single nucleotide variant.
Coding change: c.3415+9C>A on transcript NM_001363711.2 (MANE Select); 9 bases into the intron after coding-DNA position 3415, C replaced by A.
Molecular consequence: intron variant.
Genome position (GRCh38, 1-based): chr15:45,099,653, G>T on the plus strand (C>A on the coding strand, the complement: DUOX2 is on the minus strand). VCF-style: chr15-45099653-G-T. GRCh37 (hg19) VCF-style: chr15-45391851-G-T.
Other names: c.3415+9C>A (NM_014080.5).
Identifiers: ClinVar variation 1585473 (VCV001585473.10), dbSNP rs201877498, ClinGen allele CA7537880.

ClinVar aggregate classification (germline): Likely benign. Review status: criteria provided, multiple submitters, no conflicts (2 of 4 stars). 3 submissions from 3 submitters: Likely benign (3). Last evaluated 2026-02-24.

Allele frequency attached by ClinVar (database versions not stated): gnomAD exomes 0.00001; ExAC 0.00002; TOPMed 0.00005; gnomAD 0.00006 and 0.00007; 1000 Genomes Project 30x 0.00031; 1000 Genomes Project 0.00040.
gnomAD v4.1: 26 of 1,614,062 alleles (0.0016%); highest among the groups gnomAD compares: Admixed American, 0.028%; no homozygotes.

Submissions (3):

Women's Health and Genetics/Laboratory Corporation of America, LabCorp
Classification: Likely benign. Last evaluated: 2026-02-24. Review status: criteria provided, single submitter. Criteria: LabCorp Variant Classification Summary - May 2015. Collection method: clinical testing. Allele origin: germline.
Comment: Variant summary: DUOX2 c.3415+9C>A alters a non-conserved nucleotide located at a position not widely known to affect splicing. Consensus agreement among computation tools predict no significant impact on normal splicing. However, these predictions have yet to be confirmed by functional studies. The variant allele was found at a frequency of 1.2e-05 in 251372 control chromosomes. The available data on variant occurrences in the general population are insufficient to allow any conclusion about variant significance. To our knowledge, no occurrence of c.3415+9C>A in individuals affected with DUOX2-related conditions and no experimental evidence demonstrating its impact on protein function have been reported. ClinVar contains an entry for this variant (Variation ID: 1585473). Based on the evidence outlined above, the variant was classified as likely benign.

Labcorp Genetics (formerly Invitae), Labcorp
Classification: Likely benign. Last evaluated: 2025-03-15. Review status: criteria provided, single submitter. Criteria: Invitae Variant Classification Sherloc (09022015). Collection method: clinical testing. Allele origin: germline.

Blueprint Genetics
Classification: Likely benign. Last evaluated: 2023-04-29. Review status: criteria provided, single submitter. Criteria: ACMG Guidelines, 2015. Collection method: clinical testing. Allele origin: germline.